The following is an entry in ClinVar:

ClinVar aggregate classification (germline): Uncertain significance (1 of 4 stars; one submission).

Conditions:
Inborn genetic diseases. Identifiers: MedGen C0950123, MeSH D030342.

Submission:

Ambry Genetics
Classification: Uncertain significance for Inborn genetic diseases. Last evaluated: 2025-11-15. Review status: criteria provided, single submitter. Criteria: Ambry Variant Classification Scheme 2023. Collection method: clinical testing. Allele origin: germline.
Comment: The p.L1406Q variant (also known as c.4217T>A), located in coding exon 1 of the SAMD9L gene, results from a T to A substitution at nucleotide position 4217. The leucine at codon 1406 is replaced by glutamine, an amino acid with dissimilar properties. This amino acid position is conserved. In addition, the in silico prediction for this alteration is inconclusive. Based on the available evidence, the clinical significance of this variant remains unclear.

NM_152703.5(SAMD9L):c.4217T>A (p.Leu1406Gln)

Gene: SAMD9L (sterile alpha motif domain containing 9 like; minus strand). Cytogenetic location: 7q21.2.
Variant type: single nucleotide variant.
Coding change: c.4217T>A on transcript NM_152703.5 (MANE Select); coding-DNA position 4217, T replaced by A.
Protein change: p.Leu1406Gln; replaces leucine 1406 with glutamine.
Molecular consequence: missense variant.
Genome position (GRCh38, 1-based): chr7:93,131,755, A>T on the plus strand (T>A on the coding strand, the complement: SAMD9L is on the minus strand). VCF-style: chr7-93131755-A-T. GRCh37 (hg19) VCF-style: chr7-92761068-A-T.
Other names: c.4217T>A, p.Leu1406Gln (NM_001303496.3, NM_001303497.3, NM_001303498.3 and 5 more transcripts); short protein forms L1406Q.
Identifiers: ClinVar variation 4630122 (VCV004630122.1).